The following is an entry in ClinVar:

ClinVar aggregate classification (germline): Uncertain significance. Review status: criteria provided, multiple submitters, no conflicts (2 of 4 stars). 2 submissions from 2 submitters: Uncertain significance (2). Last evaluated 2025-02-25.

Conditions:
Inborn genetic diseases. Identifiers: MedGen C0950123, MeSH D030342.

Allele frequency attached by ClinVar (database versions not stated): gnomAD exomes below 0.00001; TOPMed 0.00001.
gnomAD v4.1: 2 of 1,614,160 alleles (0.00012%); highest among the groups gnomAD compares: African/African-American, 0.0013%; no homozygotes.

Submissions (2):

Ambry Genetics
Classification: Uncertain significance for Inborn genetic diseases. Last evaluated: 2025-02-25. Review status: criteria provided, single submitter. Criteria: Ambry Variant Classification Scheme 2023. Collection method: clinical testing. Allele origin: germline.

GeneDx
Classification: Uncertain significance. Last evaluated: 2019-11-19. Review status: criteria provided, single submitter. Criteria: GeneDx Variant Classification Process June 2021. Collection method: clinical testing. Allele origin: germline. Affected: yes.
Comment: Not observed in large population cohorts (Lek et al., 2016); In silico analysis, which includes protein predictors and evolutionary conservation, supports that this variant does not alter protein structure/function; Has not been previously published as pathogenic or benign to our knowledge

NM_015346.4(ZFYVE26):c.7463T>C (p.Ile2488Thr)

Gene: ZFYVE26 (zinc finger FYVE-type containing 26; minus strand). Cytogenetic location: 14q24.1.
Variant type: single nucleotide variant.
Coding change: c.7463T>C on transcript NM_015346.4 (MANE Select); coding-DNA position 7463, T replaced by C.
Protein change: p.Ile2488Thr; replaces isoleucine 2488 with threonine.
Molecular consequence: missense variant.
Genome position (GRCh38, 1-based): chr14:67,748,593, A>G on the plus strand (T>C on the coding strand, the complement: ZFYVE26 is on the minus strand). VCF-style: chr14-67748593-A-G. GRCh37 (hg19) VCF-style: chr14-68215310-A-G.
Other names: short protein forms I2488T.
Identifiers: ClinVar variation 1310381 (VCV001310381.3), dbSNP rs976321163, ClinGen allele CA262809323.